The following is an entry in ClinVar:

NM_000481.4(AMT):c.61del (p.Ala21fs)

Genes: AMT (aminomethyltransferase; minus strand), NICN1 (nicolin 1, tubulin polyglutamylase complex subunit; minus strand). Cytogenetic location: 3p21.31.
Variant type: Deletion.
Coding change: c.61del on transcript NM_000481.4 (MANE Select); coding-DNA position 61, one base deleted (G; older notation c.61delG).
Protein change: p.Ala21fs; shifts the reading frame from alanine 21.
Molecular consequence: frameshift variant. On other transcripts: non-coding transcript variant (1), 3 prime UTR variant (1).
Genome position (GRCh38, 1-based): chr3:49,422,390, C deleted on the plus strand (G on the coding strand, the reverse complement: AMT is on the minus strand); the first of 2 consecutive C bases (chr3:49,422,390-49,422,391); deleting either gives the same sequence. VCF-style (leftmost placement, unchanged base first): chr3-49422389-GC-G. GRCh37 (hg19) VCF-style: chr3-49459822-GC-G.
Other names: c.61delG (NM_000481.3); c.61del, p.Ala21fs (NM_001164710.2, NM_001164711.2, NM_001164712.2); c.*2443del (NM_032316.3); short protein forms A21fs.
Identifiers: ClinVar variation 56236 (VCV000056236.2), dbSNP rs386833687, ClinGen allele CA263581.

ClinVar aggregate classification (germline): Likely pathogenic (0 of 4 stars; one submission).

Conditions:
Glycine encephalopathy. Also called: Nonketotic hyperglycinemia; Non-ketotic hyperglycinemia. Identifiers: Orphanet 407, MedGen C0751748, MONDO:0011612, HP:0008288.

Submission:

Juha Muilu Group; Institute for Molecular Medicine Finland (FIMM)
Classification: Likely pathogenic for Non-ketotic hyperglycinemia. Review status: no assertion criteria provided. Collection method: not provided. Allele origin: unknown.
Comment: FinDis database variant: This variant was not found or characterized by our laboratory, data were collected from public sources: see reference
ClinVar note: Converted during submission from probable-pathogenic to Likely pathogenic.